The following is an entry in ClinVar:

NM_078629.4(MSL3):c.1180G>A (p.Val394Met)

Gene: MSL3 (MSL complex subunit 3; plus strand). Cytogenetic location: Xp22.2.
Variant type: single nucleotide variant.
Coding change: c.1180G>A on transcript NM_078629.4 (MANE Select); coding-DNA position 1180, G replaced by A.
Protein change: p.Val394Met; replaces valine 394 with methionine.
Molecular consequence: missense variant.
Genome position (GRCh38, 1-based): chrX:11,768,581, G>A. VCF-style: chrX-11768581-G-A. GRCh37 (hg19) VCF-style: chrX-11786700-G-A.
Other names: c.1144G>A, p.Val382Met (NM_001193270.2); c.733G>A, p.Val245Met (NM_001282174.1); c.682G>A, p.Val228Met (NM_006800.4); short protein forms V228M, V245M, V382M, V394M.
Identifiers: ClinVar variation 2659995 (VCV002659995.24), dbSNP rs928632269, ClinGen allele CA326720938.

ClinVar aggregate classification (germline): Uncertain significance (1 of 4 stars; one submission).

Allele frequency attached by ClinVar (database versions not stated): gnomAD exomes below 0.00001; TOPMed 0.00001.
gnomAD v4.1: 3 of 1,189,681 alleles (0.00025%); highest among the groups gnomAD compares: Middle Eastern, 0.023%; no homozygotes.

Submission:

CeGaT Center for Human Genetics Tuebingen
Classification: Uncertain significance. Last evaluated: 2022-09-01. Review status: criteria provided, single submitter. Criteria: CeGaT Center For Human Genetics Tuebingen Variant Classification Criteria Version 2. Collection method: clinical testing. Allele origin: germline. Affected: yes. Observed: 1 variant allele.
Comment: MSL3: PM2